The following is an entry in ClinVar:

NM_001375567.1(FOCAD):c.4429A>G (p.Ile1477Val)

Gene: FOCAD (focadhesin; plus strand). Cytogenetic location: 9p21.3.
Variant type: single nucleotide variant.
Coding change: c.4429A>G on transcript NM_001375567.1 (MANE Select); coding-DNA position 4429, A replaced by G.
Protein change: p.Ile1477Val; replaces isoleucine 1477 with valine.
Molecular consequence: missense variant.
Genome position (GRCh38, 1-based): chr9:20,981,477, A>G. VCF-style: chr9-20981477-A-G. GRCh37 (hg19) VCF-style: chr9-20981476-A-G.
Other names: c.4324A>G, p.Ile1442Val (NM_001375568.1, NM_001375570.1); c.4429A>G, p.Ile1477Val (NM_017794.5); short protein forms I1442V, I1477V.
Identifiers: ClinVar variation 2888022 (VCV002888022.3), dbSNP rs776093412, ClinGen allele CA5007949.

ClinVar aggregate classification (germline): Uncertain significance (1 of 4 stars; one submission).

Allele frequency attached by ClinVar (database versions not stated): gnomAD exomes 0.00016; ExAC 0.00021; TOPMed 0.00004; gnomAD 0.00007.
gnomAD v4.1: 242 of 1,614,048 alleles (0.015%); highest among the groups gnomAD compares: East Asian, 0.44%; no homozygotes.

Submission:

Labcorp Genetics (formerly Invitae), Labcorp
Classification: Uncertain significance. Last evaluated: 2025-12-09. Review status: criteria provided, single submitter. Criteria: Invitae Variant Classification Sherloc (09022015). Collection method: clinical testing. Allele origin: germline.
Comment: This sequence change replaces isoleucine, which is neutral and non-polar, with valine, which is neutral and non-polar, at codon 1477 of the FOCAD protein (p.Ile1477Val). This variant is present in population databases (rs776093412, gnomAD 0.2%), and has an allele count higher than expected for a pathogenic variant. This variant has not been reported in the literature in individuals affected with FOCAD-related conditions. ClinVar contains an entry for this variant (Variation ID: 2888022). Experimental studies and prediction algorithms are not available or were not evaluated, and the functional significance of this variant is currently unknown. In summary, the available evidence is currently insufficient to determine the role of this variant in disease. Therefore, it has been classified as a Variant of Uncertain Significance.